The following is an entry in ClinVar:

ClinVar aggregate classification (germline): Pathogenic (1 of 4 stars; one submission).

Conditions:
T-B+ severe combined immunodeficiency due to JAK3 deficiency. Also called: SCID, T CELL-NEGATIVE, B CELL-POSITIVE, NK CELL-NEGATIVE; SCID, autosomal recessive, T-negative/B-positive type. Identifiers: Orphanet 35078, MedGen C1833275, MONDO:0010938, OMIM 600802.

Allele frequency attached by ClinVar (database versions not stated): ESP Exome Variant Server 0.00008.
gnomAD v4.1: 3 of 1,610,730 alleles (0.00019%); highest among the groups gnomAD compares: Non-Finnish European, 0.00025%; no homozygotes.

Submission:

Labcorp Genetics (formerly Invitae), Labcorp
Classification: Pathogenic for T-B+ severe combined immunodeficiency due to JAK3 deficiency. Last evaluated: 2023-12-27. Review status: criteria provided, single submitter. Criteria: Invitae Variant Classification Sherloc (09022015). Collection method: clinical testing. Allele origin: germline.
Comment: This sequence change creates a premature translational stop signal (p.Arg175*) in the JAK3 gene. It is expected to result in an absent or disrupted protein product. Loss-of-function variants in JAK3 are known to be pathogenic (PMID: 7481768, 11668621). This variant is present in population databases (rs138201425, gnomAD no frequency). This premature translational stop signal has been observed in individual(s) with severe combined immunodeficiency (PMID: 19659508). For these reasons, this variant has been classified as Pathogenic.

Literature cited by the submitters: PubMed 7481768; PubMed 11668621; PubMed 19659508.

NM_000215.4(JAK3):c.523C>T (p.Arg175Ter)

Gene: JAK3 (Janus kinase 3; minus strand). Cytogenetic location: 19p13.11.
Variant type: single nucleotide variant.
Coding change: c.523C>T on transcript NM_000215.4 (MANE Select); coding-DNA position 523, C replaced by T.
Protein change: p.Arg175Ter; replaces arginine 175 with a stop codon.
Molecular consequence: nonsense.
Genome position (GRCh38, 1-based): chr19:17,843,070, G>A on the plus strand (C>T on the coding strand, the complement: JAK3 is on the minus strand). VCF-style: chr19-17843070-G-A. GRCh37 (hg19) VCF-style: chr19-17953879-G-A.
Other names: short protein forms R175*.
Identifiers: ClinVar variation 2910455 (VCV002910455.3), dbSNP rs138201425, ClinGen allele CA9302145.
Genomic context (GRCh38, chr19:17,843,070, plus strand): 5'-AGCCTGGTGGCTCTCACCTGACAGTCTTCAGCAGCTCTCCCGGCCGCTGGGCCTGCTCTC[G>A]CGCCATCCGGGCCAGGTCCAACACGGCCAGGCTGAGACACTCACCCTGCTCCTTGAGACT-3'